The following is an entry in ClinVar:

ClinVar aggregate classification (germline): Uncertain significance (1 of 4 stars; one submission).

Submission:

Labcorp Genetics (formerly Invitae), Labcorp
Classification: Uncertain significance. Last evaluated: 2025-08-05. Review status: criteria provided, single submitter. Criteria: Invitae Variant Classification Sherloc (09022015). Collection method: clinical testing. Allele origin: germline.
Comment: This sequence change replaces proline, which is neutral and non-polar, with leucine, which is neutral and non-polar, at codon 4 of the NTHL1 protein (p.Pro4Leu). This variant is not present in population databases (gnomAD no frequency). This variant has not been reported in the literature in individuals affected with NTHL1-related conditions. An algorithm developed to predict the effect of missense changes on protein structure and function outputs the following: PolyPhen-2: "Benign". The leucine amino acid residue is found in multiple mammalian species, which suggests that this missense change does not adversely affect protein function. In summary, the available evidence is currently insufficient to determine the role of this variant in disease. Therefore, it has been classified as a Variant of Uncertain Significance.

NC_000016.10:g.2047837G>A

Gene: NTHL1 (nth like DNA glycosylase 1; minus strand). Cytogenetic location: 16p13.3.
Variant type: single nucleotide variant.
Genome position: GRCh38 VCF-style: chr16-2047837-G-A. GRCh37 (hg19) VCF-style: chr16-2097838-G-A.
Identifiers: ClinVar variation 4739418 (VCV004739418.1).